The following is an entry in ClinVar:

NM_172364.5(CACNA2D4):c.3226+6C>T

Gene: CACNA2D4 (calcium voltage-gated channel auxiliary subunit alpha2delta 4; minus strand). Cytogenetic location: 12p13.33.
Variant type: single nucleotide variant.
Coding change: c.3226+6C>T on transcript NM_172364.5 (MANE Select); 6 bases into the intron after coding-DNA position 3226, C replaced by T.
Molecular consequence: intron variant.
Genome position (GRCh38, 1-based): chr12:1,795,662, G>A on the plus strand (C>T on the coding strand, the complement: CACNA2D4 is on the minus strand). VCF-style: chr12-1795662-G-A. GRCh37 (hg19) VCF-style: chr12-1904828-G-A.
Identifiers: ClinVar variation 2000755 (VCV002000755.4), dbSNP rs1863098436, ClinGen allele CA2012152552.
Genomic context (GRCh38, chr12:1,795,662, plus strand): 5'-GAGCCCTACAGACACCTCCTACAGCCCCCGCCCCCACCGCACACATCCCCGAGCATTGCA[G>A]GATATATTTGACTTCTGTCGCCTCCTGCAGCACTGGTGGGAAGATGCTGCAGTCACAGGT-3'

ClinVar aggregate classification (germline): Uncertain significance (1 of 4 stars; one submission).

Allele frequency attached by ClinVar (database versions not stated): TOPMed below 0.00001.

Submission:

Labcorp Genetics (formerly Invitae), Labcorp
Classification: Uncertain significance. Last evaluated: 2022-05-29. Review status: criteria provided, single submitter. Criteria: Invitae Variant Classification Sherloc (09022015). Collection method: clinical testing. Allele origin: germline.
Comment: This sequence change falls in intron 36 of the CACNA2D4 gene. It does not directly change the encoded amino acid sequence of the CACNA2D4 protein. It affects a nucleotide within the consensus splice site. This variant is not present in population databases (gnomAD no frequency). This variant has not been reported in the literature in individuals affected with CACNA2D4-related conditions. Variants that disrupt the consensus splice site are a relatively common cause of aberrant splicing (PMID: 17576681, 9536098). Algorithms developed to predict the effect of sequence changes on RNA splicing suggest that this variant may disrupt the consensus splice site. In summary, the available evidence is currently insufficient to determine the role of this variant in disease. Therefore, it has been classified as a Variant of Uncertain Significance.

Literature cited by the submitters: PubMed 17576681; PubMed 9536098.